The following is an entry in ClinVar:

NM_005188.4(CBL):c.590+2T>G

Gene: CBL (Cbl proto-oncogene; plus strand). Cytogenetic location: 11q23.3.
Variant type: single nucleotide variant.
Coding change: c.590+2T>G on transcript NM_005188.4 (MANE Select); the canonical splice donor site of the intron after coding-DNA position 590, T replaced by G.
Molecular consequence: splice donor variant.
Genome position (GRCh38, 1-based): chr11:119,271,883, T>G. VCF-style: chr11-119271883-T-G. GRCh37 (hg19) VCF-style: chr11-119142593-T-G.
Identifiers: ClinVar variation 2703975 (VCV002703975.3), dbSNP rs2496927624, ClinGen allele CA382907993.

ClinVar aggregate classification (germline): Uncertain significance (1 of 4 stars; one submission).

Conditions:
RASopathy. Also called: Noonan spectrum disorder; rasopathies. Identifiers: Orphanet 536391, MedGen C5555857, MONDO:0021060.

Submission:

Labcorp Genetics (formerly Invitae), Labcorp
Classification: Uncertain significance for RASopathy. Last evaluated: 2023-12-18. Review status: criteria provided, single submitter. Criteria: Invitae Variant Classification Sherloc (09022015). Collection method: clinical testing. Allele origin: germline.
Comment: This sequence change affects a donor splice site in intron 3 of the CBL gene. It is expected to disrupt RNA splicing. Variants that disrupt the donor or acceptor splice site typically lead to a loss of protein function (PMID: 16199547), however the current clinical and genetic evidence is not sufficient to establish whether loss-of-function variants in CBL cause disease. This variant is not present in population databases (gnomAD no frequency). This variant has not been reported in the literature in individuals affected with CBL-related conditions. Algorithms developed to predict the effect of sequence changes on RNA splicing suggest that this variant may disrupt the consensus splice site. In summary, the available evidence is currently insufficient to determine the role of this variant in disease. Therefore, it has been classified as a Variant of Uncertain Significance.

Literature cited by the submitters: PubMed 16199547.